The following is an entry in ClinVar:

NM_000277.3(PAH):c.598dup (p.Thr200fs)

Gene: PAH (phenylalanine hydroxylase; minus strand). Cytogenetic location: 12q23.2.
Variant type: Duplication.
Coding change: c.598dup on transcript NM_000277.3 (MANE Select); coding-DNA position 598, one base duplicated (A; older notation c.598dupA).
Protein change: p.Thr200fs; shifts the reading frame from threonine 200.
Molecular consequence: frameshift variant.
Genome position (GRCh38, 1-based): chr12:102,855,244, T duplicated on the plus strand (A on the coding strand, the reverse complement: PAH is on the minus strand); the first of 4 consecutive T bases (chr12:102,855,244-102,855,247); duplicating any one gives the same sequence. VCF-style (leftmost placement, unchanged base first): chr12-102855243-G-GT. GRCh37 (hg19) VCF-style: chr12-103249021-G-GT.
Other names: NM_000277.3(PAH):c.598dup; p.Thr200fs; c.598dup, p.Thr200fs (NM_001354304.2); short protein forms T200fs.
Identifiers: ClinVar variation 102748 (VCV000102748.2), dbSNP rs62508643, ClinGen allele CA229640.

ClinVar aggregate classification (germline): Pathogenic. Review status: reviewed by expert panel (3 of 4 stars). 2 submissions from 2 submitters: Pathogenic (1). 1 of the submissions does not count toward it. Last evaluated 2021-12-12.

Conditions:
Phenylketonuria (PKU). Also called: Phenylketonuria (PKU); FOLLING DISEASE; OLIGOPHRENIA PHENYLPYRUVICA; Phenylketonurias. Identifiers: Orphanet 716, MedGen C0031485, MONDO:0009861, OMIM 261600. Disease mechanism: loss of function.

Submissions (2):

ClinGen PAH Variant Curation Expert Panel
Classification: Pathogenic for Phenylketonuria. Last evaluated: 2021-12-12. Review status: reviewed by expert panel. Criteria: ClinGen PAH ACMG Specifications v1. Collection method: curation. Allele origin: germline. Inheritance: Autosomal recessive inheritance.
Comment: BH4 deficiency not excluded (PP4). This frameshift variant is predicted to undergo NMD, not located in last exon or last 50bp of preliminary exon. (Coding exon number 6 out of 13 coding exons; 6 out of total exons) (PVS1). This variant is absent from population databases (PM2). In summary, this variant meets criteria to be classified as pathogenic for PAH. PAH-specific ACMG/AMP criteria applied: PVS1, PM2, PP4.

DeBelle Laboratory for Biochemical Genetics, MUHC/MCH RESEARCH INSTITUTE
No classification provided. Review status: no classification provided. Collection method: not provided. Allele origin: not provided. Not counted in ClinVar's aggregate classification.